The following is an entry in ClinVar:

ClinVar aggregate classification (germline): Uncertain significance (1 of 4 stars; one submission).

Conditions:
Hereditary cancer-predisposing syndrome. Also called: Neoplastic Syndromes, Hereditary; Tumor predisposition; Hereditary neoplastic syndrome; Hereditary Cancer Syndrome. Identifiers: Orphanet 140162, MedGen C0027672, MeSH D009386, MONDO:0015356.

Submission:

Ambry Genetics
Classification: Uncertain significance for Hereditary cancer-predisposing syndrome. Last evaluated: 2026-07-06. Review status: criteria provided, single submitter. Criteria: Ambry Variant Classification Scheme 2023. Collection method: clinical testing. Allele origin: germline.
Comment: The p.C1319S variant (also known as c.3956G>C), located in coding exon 20 of the MET gene, results from a G to C substitution at nucleotide position 3956. The cysteine at codon 1319 is replaced by serine, an amino acid with dissimilar properties. This amino acid position is conserved. In addition, this alteration is predicted to be deleterious by in silico analysis. Based on the available evidence, the clinical significance of this variant remains unclear.

NM_000245.4(MET):c.3956G>C (p.Cys1319Ser)

Gene: MET (MET proto-oncogene, receptor tyrosine kinase; plus strand). Cytogenetic location: 7q31.2.
Variant type: single nucleotide variant.
Coding change: c.3956G>C on transcript NM_000245.4 (MANE Select); coding-DNA position 3956, G replaced by C.
Protein change: p.Cys1319Ser; replaces cysteine 1319 with serine.
Molecular consequence: missense variant.
Genome position (GRCh38, 1-based): chr7:116,795,907, G>C. VCF-style: chr7-116795907-G-C. GRCh37 (hg19) VCF-style: chr7-116435961-G-C.
Other names: c.4010G>C, p.Cys1337Ser (NM_001127500.3); c.2666G>C, p.Cys889Ser (NM_001324402.2); short protein forms C1319S, C1337S, C889S.
Identifiers: ClinVar variation 5024363 (VCV005024363.1).